The following is an entry in ClinVar:

ClinVar aggregate classification (germline): Uncertain significance. Review status: criteria provided, multiple submitters, no conflicts (2 of 4 stars). 4 submissions from 4 submitters: Uncertain significance (4). Last evaluated 2025-09-07.

Conditions:
Hyperkalemic periodic paralysis. Also called: Familial hyperkalemic periodic paralysis; Gamstorp disease. Identifiers: Orphanet 682, MedGen C0238357, MONDO:0008224, OMIM 170500, HP:0007215.
Inborn genetic diseases. Identifiers: MedGen C0950123, MeSH D030342.

Allele frequency attached by ClinVar (database versions not stated): TOPMed 0.00001.

Submissions (4):

Dasa
Classification: Uncertain significance. Last evaluated: 2025-09-07. Review status: criteria provided, single submitter. Criteria: DASA Assertion Criteria. Collection method: clinical testing. Allele origin: germline.
Comment: NM_000334.4(SCN4A):c.1343T>A (p.Met448Lys) is a missense variant that results in the substitution of methionine with lysine. This variant is absent from population databases. Computational prediction algorithms are consistent with a deleterious effect. The currently available literature and clinical evidence are not sufficient to establish a definitive association between this variant and the reported condition. Therefore, this variant is classified as a variant of uncertain significance.

Ambry Genetics
Classification: Uncertain significance for Inborn genetic diseases. Last evaluated: 2025-08-21. Review status: criteria provided, single submitter. Criteria: Ambry Variant Classification Scheme 2023. Collection method: clinical testing. Allele origin: germline.

Labcorp Genetics (formerly Invitae), Labcorp
Classification: Uncertain significance for Hyperkalemic periodic paralysis. Last evaluated: 2025-08-21. Review status: criteria provided, single submitter. Criteria: Invitae Variant Classification Sherloc (09022015). Collection method: clinical testing. Allele origin: germline.
Comment: This sequence change replaces methionine, which is neutral and non-polar, with lysine, which is basic and polar, at codon 448 of the SCN4A protein (p.Met448Lys). This variant is not present in population databases (gnomAD no frequency). This variant has not been reported in the literature in individuals affected with SCN4A-related conditions. ClinVar contains an entry for this variant (Variation ID: 1062854). Invitae Evidence Modeling of protein sequence and biophysical properties (such as structural, functional, and spatial information, amino acid conservation, physicochemical variation, residue mobility, and thermodynamic stability) indicates that this missense variant is expected to disrupt SCN4A protein function with a positive predictive value of 80%. In summary, the available evidence is currently insufficient to determine the role of this variant in disease. Therefore, it has been classified as a Variant of Uncertain Significance.

Revvity Omics, Revvity
Classification: Uncertain significance. Last evaluated: 2020-08-10. Review status: criteria provided, single submitter. Criteria: ACMG Guidelines, 2015. Collection method: clinical testing. Allele origin: germline.

NM_000334.4(SCN4A):c.1343T>A (p.Met448Lys)

Gene: SCN4A (sodium voltage-gated channel alpha subunit 4; minus strand). Cytogenetic location: 17q23.3.
Variant type: single nucleotide variant.
Coding change: c.1343T>A on transcript NM_000334.4 (MANE Select); coding-DNA position 1343, T replaced by A.
Protein change: p.Met448Lys; replaces methionine 448 with lysine.
Molecular consequence: missense variant.
Genome position (GRCh38, 1-based): chr17:63,964,577, A>T on the plus strand (T>A on the coding strand, the complement: SCN4A is on the minus strand). VCF-style: chr17-63964577-A-T. GRCh37 (hg19) VCF-style: chr17-62041937-A-T.
Other names: short protein forms M448K.
Identifiers: ClinVar variation 1062854 (VCV001062854.15), dbSNP rs768617159, ClinGen allele CA400635004.